The following is an entry in ClinVar:

NM_153717.3(EVC):c.1776+2T>C

Gene: EVC (EvC ciliary complex subunit 1; plus strand). Cytogenetic location: 4p16.2.
Variant type: single nucleotide variant.
Coding change: c.1776+2T>C on transcript NM_153717.3 (MANE Select); the canonical splice donor site of the intron after coding-DNA position 1776, T replaced by C.
Molecular consequence: splice donor variant.
Genome position (GRCh38, 1-based): chr4:5,783,766, T>C. VCF-style: chr4-5783766-T-C. GRCh37 (hg19) VCF-style: chr4-5785493-T-C.
Other names: c.1776+2T>C (NM_001306090.2).
Identifiers: ClinVar variation 2028502 (VCV002028502.4), dbSNP rs1577564571, ClinGen allele CA356161598.

ClinVar aggregate classification (germline): Likely pathogenic (1 of 4 stars; one submission).

Conditions:
Ellis-van Creveld syndrome (EVC). Also called: EVC-Related Ellis-van Creveld Syndrome; EVC2-Related Ellis-van Creveld Syndrome; MESOECTODERMAL DYSPLASIA; Chondroectodermal dysplasia. Identifiers: Orphanet 289, MedGen C0013903, MONDO:0009162, OMIM 225500.
Curry-Hall syndrome (WAD). Also called: WEYERS ACRODENTAL DYSOSTOSIS. Identifiers: Orphanet 952, MedGen C0457013, MONDO:0008673, OMIM 193530.

Allele frequency attached by ClinVar (database versions not stated): gnomAD exomes below 0.00001.
gnomAD v4.1: 1 of 1,605,956 alleles (0.000062%); highest among the groups gnomAD compares: Non-Finnish European, 0.000085%; no homozygotes.

Submission:

Labcorp Genetics (formerly Invitae), Labcorp
Classification: Likely pathogenic for Curry-Hall syndrome; Ellis-van Creveld syndrome. Last evaluated: 2022-09-18. Review status: criteria provided, single submitter. Criteria: Invitae Variant Classification Sherloc (09022015). Collection method: clinical testing. Allele origin: germline.
Comment: This sequence change affects a donor splice site in intron 12 of the EVC gene. It is expected to disrupt RNA splicing. Variants that disrupt the donor or acceptor splice site typically lead to a loss of protein function (PMID: 16199547), and loss-of-function variants in EVC are known to be pathogenic (PMID: 23220543). In summary, the currently available evidence indicates that the variant is pathogenic, but additional data are needed to prove that conclusively. Therefore, this variant has been classified as Likely Pathogenic. Algorithms developed to predict the effect of sequence changes on RNA splicing suggest that this variant may disrupt the consensus splice site. This variant has not been reported in the literature in individuals affected with EVC-related conditions. This variant is not present in population databases (gnomAD no frequency).

Literature cited by the submitters: PubMed 16199547; PubMed 23220543.